The following is an entry in ClinVar:

ClinVar aggregate classification (germline): Uncertain significance (1 of 4 stars; one submission).

Allele frequency attached by ClinVar (database versions not stated): gnomAD exomes below 0.00001; ExAC 0.00001; TOPMed 0.00001; gnomAD 0.00002.
gnomAD v4.1: 9 of 1,611,368 alleles (0.00056%); highest among the groups gnomAD compares: African/African-American, 0.0013%; no homozygotes.

Submission:

Labcorp Genetics (formerly Invitae), Labcorp
Classification: Uncertain significance. Last evaluated: 2022-07-26. Review status: criteria provided, single submitter. Criteria: Invitae Variant Classification Sherloc (09022015). Collection method: clinical testing. Allele origin: germline.
Comment: This sequence change replaces asparagine, which is neutral and polar, with lysine, which is basic and polar, at codon 833 of the PLEKHM2 protein (p.Asn833Lys). This variant is present in population databases (rs778661461, gnomAD 0.002%). This variant has not been reported in the literature in individuals affected with PLEKHM2-related conditions. Algorithms developed to predict the effect of missense changes on protein structure and function are either unavailable or do not agree on the potential impact of this missense change (SIFT: "Tolerated"; PolyPhen-2: "Possibly Damaging"; Align-GVGD: "Class C0"). In summary, the available evidence is currently insufficient to determine the role of this variant in disease. Therefore, it has been classified as a Variant of Uncertain Significance.

NM_015164.4(PLEKHM2):c.2499C>A (p.Asn833Lys)

Gene: PLEKHM2 (pleckstrin homology and RUN domain containing M2; plus strand). Cytogenetic location: 1p36.21.
Variant type: single nucleotide variant.
Coding change: c.2499C>A on transcript NM_015164.4 (MANE Select); coding-DNA position 2499, C replaced by A.
Protein change: p.Asn833Lys; replaces asparagine 833 with lysine.
Molecular consequence: missense variant.
Genome position (GRCh38, 1-based): chr1:15,731,922, C>A. VCF-style: chr1-15731922-C-A. GRCh37 (hg19) VCF-style: chr1-16058417-C-A.
Other names: c.2439C>A, p.Asn813Lys (NM_001410755.1); short protein forms N833K, N813K.
Identifiers: ClinVar variation 2164473 (VCV002164473.4), dbSNP rs778661461, ClinGen allele CA617280.